The following is an entry in ClinVar:

NM_002529.4(NTRK1):c.1005G>A (p.Pro335=)

Gene: NTRK1 (neurotrophic receptor tyrosine kinase 1; plus strand). Cytogenetic location: 1q23.1.
Variant type: single nucleotide variant.
Coding change: c.1005G>A on transcript NM_002529.4 (MANE Select); coding-DNA position 1005, G replaced by A.
Protein change: p.Pro335=; no amino-acid change (proline 335 retained).
Molecular consequence: synonymous variant.
Genome position (GRCh38, 1-based): chr1:156,873,787, G>A. VCF-style: chr1-156873787-G-A. GRCh37 (hg19) VCF-style: chr1-156843579-G-A.
Other names: c.915G>A, p.Pro305= (NM_001007792.1); c.1005G>A, p.Pro335= (NM_001012331.2).
Identifiers: ClinVar variation 875647 (VCV000875647.39), dbSNP rs780334454, ClinGen allele CA1169166.

ClinVar aggregate classification (germline): Conflicting classifications of pathogenicity. Review status: criteria provided, conflicting classifications (1 of 4 stars). 4 submissions from 4 submitters: Uncertain significance (1); Likely benign (3). Last evaluated 2025-08-14.

Conditions:
Hereditary insensitivity to pain with anhidrosis (CIPA). Also called: INSENSITIVITY TO PAIN, CONGENITAL, WITH ANHIDROSIS; HSAN Type IV; hereditary sensory and autonomic neuropathy type 4; NTRK1 Congenital Insensitivity to Pain with Anhidrosis; FAMILIAL DYSAUTONOMIA, TYPE II; NEUROPATHY, CONGENITAL SENSORY, WITH ANHIDROSIS. Identifiers: Orphanet 642, MedGen C0020074, MONDO:0009746, OMIM 256800.

Allele frequency attached by ClinVar (database versions not stated): ExAC below 0.00001; gnomAD 0.00001; gnomAD exomes 0.00001; TOPMed 0.00002.
gnomAD v4.1: 29 of 1,612,704 alleles (0.0018%); highest among the groups gnomAD compares: African/African-American, 0.0053%; no homozygotes.

Submissions (4):

Labcorp Genetics (formerly Invitae), Labcorp
Classification: Likely benign for Hereditary insensitivity to pain with anhidrosis. Last evaluated: 2025-08-14. Review status: criteria provided, single submitter. Criteria: Invitae Variant Classification Sherloc (09022015). Collection method: clinical testing. Allele origin: germline.

CeGaT Center for Human Genetics Tuebingen
Classification: Likely benign. Last evaluated: 2023-07-01. Review status: criteria provided, single submitter. Criteria: CeGaT Center For Human Genetics Tuebingen Variant Classification Criteria Version 2. Collection method: clinical testing. Allele origin: germline. Affected: yes. Observed: 1 variant allele.
Comment: NTRK1: BP4, BP7

Blueprint Genetics
Classification: Likely benign. Last evaluated: 2020-12-31. Review status: criteria provided, single submitter. Criteria: ACMG Guidelines, 2015. Collection method: clinical testing. Allele origin: germline.

Illumina Laboratory Services, Illumina
Classification: Uncertain significance for Hereditary insensitivity to pain with anhidrosis. Last evaluated: 2018-01-13. Review status: criteria provided, single submitter. Criteria: ICSL Variant Classification Criteria 13 December 2019. Collection method: clinical testing. Allele origin: germline.